The following is an entry in ClinVar:

ClinVar aggregate classification (germline): Uncertain significance (1 of 4 stars; one submission).

Submission:

GeneDx
Classification: Uncertain significance. Last evaluated: 2025-05-13. Review status: criteria provided, single submitter. Criteria: GeneDx Variant Classification Process June 2021. Collection method: clinical testing. Allele origin: germline. Affected: yes.
Comment: Has not been previously published as pathogenic or benign to our knowledge; Not observed at significant frequency in large population cohorts (gnomAD); In silico analysis suggests that this missense variant does not alter protein structure/function

NM_001353345.2(SETD1B):c.4457T>C (p.Leu1486Ser)

Gene: SETD1B (SET domain containing 1B, histone lysine methyltransferase; plus strand). Cytogenetic location: 12q24.31.
Variant type: single nucleotide variant.
Coding change: c.4457T>C on transcript NM_001353345.2 (MANE Select); coding-DNA position 4457, T replaced by C.
Protein change: p.Leu1486Ser; replaces leucine 1486 with serine.
Molecular consequence: missense variant.
Genome position (GRCh38, 1-based): chr12:121,823,036, T>C. VCF-style: chr12-121823036-T-C. GRCh37 (hg19) VCF-style: chr12-122260942-T-C.
Other names: short protein forms L1486S.
Identifiers: ClinVar variation 1317413 (VCV001317413.3), dbSNP rs2137578849, ClinGen allele CA386999050.